The following is an entry in ClinVar:

ClinVar aggregate classification (germline): Uncertain significance (1 of 4 stars; one submission).

Submission:

Labcorp Genetics (formerly Invitae), Labcorp
Classification: Uncertain significance. Last evaluated: 2023-01-24. Review status: criteria provided, single submitter. Criteria: Invitae Variant Classification Sherloc (09022015). Collection method: clinical testing. Allele origin: germline.
Comment: In summary, the available evidence is currently insufficient to determine the role of this variant in disease. Therefore, it has been classified as a Variant of Uncertain Significance. Experimental studies and prediction algorithms are not available or were not evaluated, and the functional significance of this variant is currently unknown. This variant has not been reported in the literature in individuals affected with KANK1-related conditions. This variant is present in population databases (rs527269683, gnomAD 0.05%). This variant, c.3114_3119dup, results in the insertion of 2 amino acid(s) of the KANK1 protein (p.Glu1038_Glu1039dup), but otherwise preserves the integrity of the reading frame.

NM_015158.5(KANK1):c.3105GGA[7] (p.Glu1038_Glu1039dup)

Gene: KANK1 (KN motif and ankyrin repeat domains 1; plus strand). Cytogenetic location: 9p24.3.
Variant type: Microsatellite.
Coding change: c.3105GGA[7] on transcript NM_015158.5 (MANE Select); seven copies in a row of the 3-base unit GGA starting at c.3105; the reference has five copies in a row; two copies, 6 bases duplicated.
Protein change: p.Glu1038_Glu1039dup.
Molecular consequence: inframe insertion. On other transcripts: intron variant (5).
Genome position (GRCh38, 1-based): chr9:732,486-732,491, GGAGGA duplicated; duplicating any 6 consecutive bases within chr9:732,475-732,491 gives the same sequence; the position shown is the placement nearest the transcript's 3' end. VCF-style (leftmost placement, unchanged base first): chr9-732474-A-AGAGGAG. GRCh37 (hg19) VCF-style: chr9-732474-A-AGAGGAG.
Other names: c.3105GGA[7], p.Glu1038_Glu1039dup (NM_001256876.3, NM_001256877.3, NM_001354334.2); c.3051GGA[7], p.Glu1020_Glu1021dup (NM_001354332.2); c.2631GGA[7], p.Glu880_Glu881dup (NM_001354333.2, NM_001354335.2, NM_001354337.2 and 2 more transcripts); c.2577GGA[7], p.Glu862_Glu863dup (NM_001354338.2, NM_001354340.2, NM_001354344.2); c.3005+1209GAG[7] (NM_001354331.2); c.2477+1209GAG[7] (NM_001354336.2); c.2531+1209GAG[7] (NM_001354339.2, NM_001354343.2, NM_001354342.2).
Identifiers: ClinVar variation 1398700 (VCV001398700.8), dbSNP rs113586916, ClinGen allele CA4960777.